The following is an entry in ClinVar:

ClinVar aggregate classification (germline): Conflicting classifications of pathogenicity. Review status: criteria provided, conflicting classifications (1 of 4 stars). 6 submissions from 6 submitters: Uncertain significance (5); Likely benign (1). Last evaluated 2026-05-26.

Conditions:
TTN-related disorder. Also called: TTN-related condition; TTN-related disease; TTN-related disorders.
Dilated cardiomyopathy 1G (CMD1G). Identifiers: Orphanet 154, MedGen C1858763, MONDO:0011400, OMIM 604145.
Autosomal recessive limb-girdle muscular dystrophy type 2J (LGMDR10). Also called: Limb-girdle muscular dystrophy, type 2J; MUSCULAR DYSTROPHY, LIMB-GIRDLE, AUTOSOMAL RECESSIVE 10. Identifiers: Orphanet 140922, MedGen C1837342, MONDO:0012127, OMIM 608807.
Cardiovascular phenotype. Identifiers: MedGen CN230736.

gnomAD v4.1: 19 of 1,613,726 alleles (0.0012%); highest among the groups gnomAD compares: Admixed American, 0.013%; no homozygotes.

Submissions (6):

PreventionGenetics, part of Exact Sciences
Classification: Uncertain significance for TTN-related condition. Last evaluated: 2026-05-26. Review status: criteria provided, single submitter. Criteria: ACMG Guidelines, 2015. Collection method: clinical testing. Allele origin: germline.
Comment: The TTN c.93130G>T variant is predicted to result in the amino acid substitution p.Gly31044Cys. This variant has been reported in an individual with dilated cardiomyopathy (referred to as c.85426G>T (p.Gly28476Cys) in the alternate transcript NM_133378, van Lint et al. 2019. PubMed ID: 30847666). This variant has not been reported in a large population database (gnomAD), indicating this variant is rare. At this time, the clinical significance of this variant is uncertain due to the absence of conclusive functional and genetic evidence.

Blueprint Genetics
Classification: Likely benign. Last evaluated: 2024-09-09. Review status: criteria provided, single submitter. Criteria: ACMG Guidelines, 2015. Collection method: clinical testing. Allele origin: germline.

GeneDx
Classification: Uncertain significance. Last evaluated: 2023-07-18. Review status: criteria provided, single submitter. Criteria: GeneDx Variant Classification Process June 2021. Collection method: clinical testing. Allele origin: germline. Affected: yes.
Comment: Not observed at significant frequency in large population cohorts (gnomAD); Missense variant in a gene in which most reported pathogenic variants are truncating/loss of function; Reported in an individual with DCM (PMID: 30847666); This variant is associated with the following publications: (PMID: 30847666)

Revvity Omics, Revvity
Classification: Uncertain significance. Last evaluated: 2021-03-20. Review status: criteria provided, single submitter. Criteria: ACMG Guidelines, 2015. Collection method: clinical testing. Allele origin: germline.

Ambry Genetics
Classification: Uncertain significance for Cardiovascular phenotype. Last evaluated: 2020-09-22. Review status: criteria provided, single submitter. Criteria: Ambry Variant Classification Scheme 2023. Collection method: clinical testing. Allele origin: germline.
Comment: The p.G21979C variant (also known as c.65935G>T), located in coding exon 166 of the TTN gene, results from a G to T substitution at nucleotide position 65935. The glycine at codon 21979 is replaced by cysteine, an amino acid with highly dissimilar properties. This variant (referred to as p.G28476C, c.85426G>T) has been detected in an individual with dilated cardiomyopathy; however, details were limited (van Lint FHM et al. Neth Heart J, 2019 Jun;27:304-309). This amino acid position is highly conserved in available vertebrate species. In addition, the in silico prediction for this alteration is inconclusive. Since supporting evidence is limited at this time, the clinical significance of this alteration remains unclear.

Labcorp Genetics (formerly Invitae), Labcorp
Classification: Uncertain significance for Dilated cardiomyopathy 1G; Autosomal recessive limb-girdle muscular dystrophy type 2J. Last evaluated: 2017-12-27. Review status: criteria provided, single submitter. Criteria: Invitae Variant Classification Sherloc (09022015). Collection method: clinical testing. Allele origin: germline.

Literature cited by the submitters: PubMed 30847666 (cited by Ambry Genetics).

NM_001267550.2(TTN):c.93130G>T (p.Gly31044Cys)

Genes: TTN (titin; minus strand), TTN-AS1 (TTN antisense RNA 1; plus strand). Cytogenetic location: 2q31.2.
Variant type: single nucleotide variant.
Coding change: c.93130G>T on transcript NM_001267550.2 (MANE Select); coding-DNA position 93130, G replaced by T.
Protein change: p.Gly31044Cys; replaces glycine 31044 with cysteine.
Molecular consequence: missense variant.
Genome position (GRCh38, 1-based): chr2:178,548,496, C>A on the plus strand (G>T on the coding strand, the complement: TTN is on the minus strand). VCF-style: chr2-178548496-C-A. GRCh37 (hg19) VCF-style: chr2-179413223-C-A.
Other names: p.G29403C:GGT>TGT; c.93130G>T (NM_001267550.1); c.88207G>T, p.Gly29403Cys (NM_001256850.1); c.65935G>T, p.Gly21979Cys (NM_003319.4); c.85426G>T, p.Gly28476Cys (NM_133378.4); c.66310G>T, p.Gly22104Cys (NM_133432.3); c.66511G>T, p.Gly22171Cys (NM_133437.4); short protein forms G29403C, G31044C, G21979C, G22171C, G22104C, G28476C.
Identifiers: ClinVar variation 202335 (VCV000202335.15), dbSNP rs750213547, ClinGen allele CA309123.